The following is an entry in ClinVar:

ClinVar aggregate classification (germline): Uncertain significance (1 of 4 stars; one submission).

Submission:

Women's Health and Genetics/Laboratory Corporation of America, LabCorp
Classification: Uncertain significance. Last evaluated: 2025-02-24. Review status: criteria provided, single submitter. Criteria: LabCorp Variant Classification Summary - May 2015. Collection method: clinical testing. Allele origin: germline.
Comment: Variant summary: PKD1 c.2985+6_2985+52del47 alters a non-conserved nucleotide located close to a canonical splice site and therefore could affect mRNA splicing, leading to a significantly altered protein sequence. Several computational tools predict a significant impact on normal splicing: Two predict the variant weakens a 5' donor site. Three predict the variant abolishes a cryptic 5' donor site. However, these predictions have yet to be confirmed by functional studies. The variant was absent in 118480 control chromosomes. The available data on variant occurrences in the general population are insufficient to allow any conclusion about variant significance. c.2985+6_2985+52del47 has been reported in the literature in at least an individual affected with autosomal dominant polycystic kidney disease (Chuan Yu_2022). These data do not allow any conclusion about variant significance. To our knowledge, no experimental evidence demonstrating an impact on protein function has been reported. The following publication have been ascertained in the context of this evaluation (PMID: 35778421). No submitters have cited clinical-significance assessments for this variant to ClinVar. Based on the evidence outlined above, the variant was classified as uncertain significance.

Literature cited by the submitters: PubMed 35778421.

NM_001009944.3(PKD1):c.2985+6_2985+52del

Gene: PKD1 (polycystin 1, transient receptor potential channel interacting; minus strand). Cytogenetic location: 16p13.3.
Variant type: Deletion.
Coding change: c.2985+6_2985+52del on transcript NM_001009944.3 (MANE Select); bases 6 to 52 of the intron after coding-DNA position 2985, 47 bases deleted.
Molecular consequence: intron variant.
Genome position (GRCh38, 1-based): chr16:2,113,109-2,113,155, 47 bases deleted; deleting any 47 consecutive bases within chr16:2,113,109-2,113,157 gives the same sequence; the c. name uses the placement nearest the transcript's 3' end. GRCh37 (hg19): chr16:2,163,112-2,163,158.
Other names: c.2985+6_2985+52del (NM_000296.4); c.2985+6_2985+52del47 (NM_001009944.3).
Identifiers: ClinVar variation 3768859 (VCV003768859.1).